The following is an entry in ClinVar:

NM_000215.4(JAK3):c.2263del (p.Leu754_Leu755insTer)

Gene: JAK3 (Janus kinase 3; minus strand). Cytogenetic location: 19p13.11.
Variant type: Deletion.
Coding change: c.2263del on transcript NM_000215.4 (MANE Select); coding-DNA position 2263, one base deleted (C; older notation c.2263delC).
Protein change: p.Leu754_Leu755insTer.
Molecular consequence: nonsense.
Genome position (GRCh38, 1-based): chr19:17,834,658, G deleted on the plus strand (C on the coding strand, the reverse complement: JAK3 is on the minus strand). VCF-style (leftmost placement, unchanged base first): chr19-17834657-AG-A. GRCh37 (hg19) VCF-style: chr19-17945466-AG-A.
Identifiers: ClinVar variation 2853266 (VCV002853266.3), dbSNP rs2514553390, ClinGen allele CA2739276630.
Genomic context (GRCh38, chr19:17,834,657, plus strand): 5'-CGAATGACGGCTCGGAAGGAGGGCCTCTGGACCGGCTCATAGGCCATGCACTGTTGAATC[AG>A]CAGGGCCAGCTCTGTCCACTTGGGGGCCGGCAGCTGCTGCCGGTCCTCATAAAATTGGAG-3'

ClinVar aggregate classification (germline): Pathogenic (1 of 4 stars; one submission).

Conditions:
T-B+ severe combined immunodeficiency due to JAK3 deficiency. Also called: SCID, T CELL-NEGATIVE, B CELL-POSITIVE, NK CELL-NEGATIVE; SCID, autosomal recessive, T-negative/B-positive type. Identifiers: Orphanet 35078, MedGen C1833275, MONDO:0010938, OMIM 600802.

Submission:

Labcorp Genetics (formerly Invitae), Labcorp
Classification: Pathogenic for T-B+ severe combined immunodeficiency due to JAK3 deficiency. Last evaluated: 2023-04-07. Review status: criteria provided, single submitter. Criteria: Invitae Variant Classification Sherloc (09022015). Collection method: clinical testing. Allele origin: germline.
Comment: For these reasons, this variant has been classified as Pathogenic. This variant has not been reported in the literature in individuals affected with JAK3-related conditions. This variant is not present in population databases (gnomAD no frequency). This sequence change creates a premature translational stop signal (p.Leu755*) in the JAK3 gene. It is expected to result in an absent or disrupted protein product. Loss-of-function variants in JAK3 are known to be pathogenic (PMID: 7481768, 11668621).

Literature cited by the submitters: PubMed 7481768; PubMed 11668621.